The following is an entry in ClinVar:

ClinVar aggregate classification (germline): Uncertain significance (1 of 4 stars; one submission).

Conditions:
Cardiovascular phenotype. Identifiers: MedGen CN230736.

Submission:

Ambry Genetics
Classification: Uncertain significance for Cardiovascular phenotype. Last evaluated: 2025-09-23. Review status: criteria provided, single submitter. Criteria: Ambry Variant Classification Scheme 2023. Collection method: clinical testing. Allele origin: germline.
Comment: The p.E509K variant (also known as c.1525G>A), located in coding exon 10 of the SOS1 gene, results from a G to A substitution at nucleotide position 1525. The glutamic acid at codon 509 is replaced by lysine, an amino acid with similar properties. This amino acid position is highly conserved in available vertebrate species. In addition, the in silico prediction for this alteration is inconclusive. Based on the available evidence, the clinical significance of this variant remains unclear.

NM_005633.4(SOS1):c.1525G>A (p.Glu509Lys)

Gene: SOS1 (SOS Ras/Rac guanine nucleotide exchange factor 1; minus strand). Cytogenetic location: 2p22.1.
Variant type: single nucleotide variant.
Coding change: c.1525G>A on transcript NM_005633.4 (MANE Select); coding-DNA position 1525, G replaced by A.
Protein change: p.Glu509Lys; replaces glutamic acid 509 with lysine.
Molecular consequence: missense variant.
Genome position (GRCh38, 1-based): chr2:39,022,903, C>T on the plus strand (G>A on the coding strand, the complement: SOS1 is on the minus strand). VCF-style: chr2-39022903-C-T. GRCh37 (hg19) VCF-style: chr2-39250044-C-T.
Other names: c.1504G>A, p.Glu502Lys (NM_001382394.1); c.1525G>A, p.Glu509Lys (NM_001382395.1); short protein forms E502K, E509K.
Identifiers: ClinVar variation 4614970 (VCV004614970.1).